The following is an entry in ClinVar:

NM_001042413.2(GLIS3):c.*1166G>A

Gene: GLIS3 (GLIS family zinc finger 3; minus strand). Cytogenetic location: 9p24.2.
Variant type: single nucleotide variant.
Coding change: c.*1166G>A on transcript NM_001042413.2 (MANE Select); 1166 bases downstream of the stop codon, G replaced by A.
Molecular consequence: 3 prime UTR variant.
Genome position (GRCh38, 1-based): chr9:3,827,106, C>T on the plus strand (G>A on the coding strand, the complement: GLIS3 is on the minus strand). VCF-style: chr9-3827106-C-T. GRCh37 (hg19) VCF-style: chr9-3827106-C-T.
Other names: c.*1166G>A (NM_152629.4).
Identifiers: ClinVar variation 913142 (VCV000913142.4), dbSNP rs371759528, ClinGen allele CA188256568.
Genomic context (GRCh38, chr9:3,827,106, plus strand): 5'-TCTTTCTGTAGACTTTTCGAGAACTGTCACCTCTACCTTCCCAAGATGATCAGACAATGG[C>T]GGCTGGTGGGGATATATGAACCACAGTCAGGAAGAGGGTAAGAGGGATGCAAAAAGAGGG-3'

ClinVar aggregate classification (germline): Likely benign (1 of 4 stars; one submission).

Conditions:
Neonatal diabetes mellitus with congenital hypothyroidism. Also called: NDH SYNDROME. Identifiers: Orphanet 79118, MedGen C1857775, MONDO:0012436, OMIM 610199.

Allele frequency attached by ClinVar (database versions not stated): gnomAD 0.00003 and 0.00036; TOPMed 0.00008; 1000 Genomes Project 0.00160; 1000 Genomes Project 30x 0.00187.

Submission:

Illumina Laboratory Services, Illumina
Classification: Likely benign for Neonatal diabetes mellitus with congenital hypothyroidism. Last evaluated: 2018-01-13. Review status: criteria provided, single submitter. Criteria: ICSL Variant Classification Criteria 13 December 2019. Collection method: clinical testing. Allele origin: germline.
Comment: This variant was observed in the ICSL laboratory as part of a predisposition screen in an ostensibly healthy population. It had not been previously curated by ICSL or reported in the Human Gene Mutation Database (HGMD: prior to June 1st, 2018), and was therefore a candidate for classification through an automated scoring system. Utilizing variant allele frequency, disease prevalence and penetrance estimates, and inheritance mode, an automated score was calculated to assess if this variant is too frequent to cause the disease. Based on the score and internal cut-off values, a variant classified as likely benign is not then subjected to further curation. The score for this variant resulted in a classification of likely benign for this disease.